The following is an entry in ClinVar:

NM_016111.4(TELO2):c.1490C>A (p.Pro497His)

Gene: TELO2 (telomere maintenance 2; plus strand). Cytogenetic location: 16p13.3.
Variant type: single nucleotide variant.
Coding change: c.1490C>A on transcript NM_016111.4 (MANE Select); coding-DNA position 1490, C replaced by A.
Protein change: p.Pro497His; replaces proline 497 with histidine.
Molecular consequence: missense variant.
Genome position (GRCh38, 1-based): chr16:1,502,064, C>A. VCF-style: chr16-1502064-C-A. GRCh37 (hg19) VCF-style: chr16-1552065-C-A.
Other names: c.1490C>A, p.Pro497His (NM_001351846.2); short protein forms P497H.
Identifiers: ClinVar variation 3369833 (VCV003369833.1).

ClinVar aggregate classification (germline): Uncertain significance (1 of 4 stars; one submission).

Submission:

GeneDx
Classification: Uncertain significance. Last evaluated: 2024-02-29. Review status: criteria provided, single submitter. Criteria: GeneDx Variant Classification Process June 2021. Collection method: clinical testing. Allele origin: germline. Affected: yes.
Comment: Not observed at significant frequency in large population cohorts (gnomAD); In silico analysis supports that this missense variant has a deleterious effect on protein structure/function; Has not been previously published as pathogenic or benign to our knowledge